The following is an entry in ClinVar:

NM_172362.3(KCNH1):c.2351A>G (p.Lys784Arg)

Gene: KCNH1 (potassium voltage-gated channel subfamily H member 1; minus strand). Cytogenetic location: 1q32.2.
Variant type: single nucleotide variant.
Coding change: c.2351A>G on transcript NM_172362.3 (MANE Select); coding-DNA position 2351, A replaced by G.
Protein change: p.Lys784Arg; replaces lysine 784 with arginine.
Molecular consequence: missense variant.
Genome position (GRCh38, 1-based): chr1:210,683,900, T>C on the plus strand (A>G on the coding strand, the complement: KCNH1 is on the minus strand). VCF-style: chr1-210683900-T-C. GRCh37 (hg19) VCF-style: chr1-210857242-T-C.
Other names: c.2270A>G, p.Lys757Arg (NM_002238.4); short protein forms K757R, K784R.
Identifiers: ClinVar variation 2630395 (VCV002630395.2), dbSNP rs2546370757, ClinGen allele CA344871348.
Genomic context (GRCh38, chr1:210,683,900, plus strand): 5'-GAGGCTGCCTGGAAGGATACGGGCGTGGCAGGACTCTCACGCACGGTGACCACGCTGGCC[T>C]TCACGAGGCTGTGGTTGGCGGAGGCATGCTCTGTAAGGACATTGCCCTTCTCCACATCTA-3'
Protein context (NP_758872.1, residues 774-794): EHASANHSLV[Lys784Arg]ASVVTVRESP

ClinVar aggregate classification (germline): Uncertain significance. Review status: criteria provided, multiple submitters, no conflicts (2 of 4 stars). 2 submissions from 2 submitters: Uncertain significance (2). Last evaluated 2023-11-07.

Conditions:
KCNH1-related disorder. Also called: KCNH1-related disorders; KCNH1-related condition.

Allele frequency attached by ClinVar (database versions not stated): gnomAD exomes below 0.00001.
gnomAD v4.1: 1 of 1,613,536 alleles (0.000062%); highest among the groups gnomAD compares: Non-Finnish European, 0.000085%; no homozygotes.

Submissions (2):

Blueprint Genetics
Classification: Uncertain significance. Last evaluated: 2023-11-07. Review status: criteria provided, single submitter. Criteria: ACMG Guidelines, 2015. Collection method: clinical testing. Allele origin: germline.

PreventionGenetics, part of Exact Sciences
Classification: Uncertain significance for KCNH1-related condition. Last evaluated: 2023-03-08. Review status: criteria provided, single submitter. Criteria: ACMG Guidelines, 2015. Collection method: clinical testing. Allele origin: germline.
Comment: The KCNH1 c.2351A>G variant is predicted to result in the amino acid substitution p.Lys784Arg. To our knowledge, this variant has not been reported in the literature or in a large population database, indicating this variant is rare. At this time, the clinical significance of this variant is uncertain due to the absence of conclusive functional and genetic evidence.